The following is an entry in ClinVar:

NM_000051.4(ATM):c.8934_8935del (p.Glu2979fs)

Genes: ATM (ATM serine/threonine kinase; plus strand), C11orf65 (chromosome 11 open reading frame 65; minus strand). Cytogenetic location: 11q22.3.
Variant type: Deletion.
Coding change: c.8934_8935del on transcript NM_000051.4 (MANE Select); coding-DNA positions 8934 to 8935, 2 bases deleted (TG; older notation c.8934_8935delTG).
Protein change: p.Glu2979fs; shifts the reading frame from glutamic acid 2979.
Molecular consequence: frameshift variant. On other transcripts: intron variant (2).
Genome position (GRCh38, 1-based): chr11:108,365,165-108,365,166, TG deleted. VCF-style (leftmost placement, unchanged base first): chr11-108365164-CTG-C. GRCh37 (hg19) VCF-style: chr11-108235891-CTG-C.
Other names: c.8934_8935del, p.Glu2979fs (NM_001351834.2); c.640+20754_640+20755del (NM_001330368.2); c.694+20754_694+20755del (NM_001351110.2); short protein forms E2979fs.
Identifiers: ClinVar variation 1459511 (VCV001459511.9), dbSNP rs2137881586, ClinGen allele CA476745299.
Genomic context (GRCh38, chr11:108,365,164, plus strand): 5'-TTGACTGGACCATGAATCCTTTGAAAGCTTTGTATTTACAGCAGAGGCCGGAAGATGAAA[CTG>C]AGCTTCACCCTACTCTGAATGCAGATGACCAAGAATGCAAACGAAATCTCAGGTGAGCAG-3'

ClinVar aggregate classification (germline): Pathogenic. Review status: criteria provided, multiple submitters, no conflicts (2 of 4 stars). 4 submissions from 4 submitters: Pathogenic (4). Last evaluated 2024-02-06.

Conditions:
Hereditary cancer-predisposing syndrome. Also called: Neoplastic Syndromes, Hereditary; Tumor predisposition; Hereditary Cancer Syndrome; Hereditary neoplastic syndrome. Identifiers: Orphanet 140162, MedGen C0027672, MeSH D009386, MONDO:0015356.
Familial cancer of breast. Also called: BREAST CANCER, FAMILIAL; Hereditary breast cancer; hereditary breast carcinoma. Identifiers: Orphanet 227535, MedGen C0346153, MONDO:0016419, OMIM 114480. Disease mechanism: loss of function.
Ataxia-telangiectasia syndrome (AT). Also called: LOUIS-BAR SYNDROME; Cerebello-oculocutaneous telangiectasia; Immunodeficiency with ataxia telangiectasia; Ataxia telangiectasia (A-T); Ataxia-telangiectasia, complementation group D; AT, COMPLEMENTATION GROUP C. Identifiers: Orphanet 100, MedGen C0004135, MONDO:0008840, OMIM 208900.

Allele frequency attached by ClinVar (database versions not stated): gnomAD exomes below 0.00001.

Submissions (4):

Myriad Genetics, Inc.
Classification: Pathogenic for Familial cancer of breast. Last evaluated: 2024-02-06. Review status: criteria provided, single submitter. Criteria: Myriad Autosomal Dominant, Autosomal Recessive and X-Linked Classification Criteria (2023). Collection method: clinical testing. Allele origin: unknown.
Comment: This variant is considered pathogenic. This variant creates a frameshift predicted to result in premature protein truncation.

Labcorp Genetics (formerly Invitae), Labcorp
Classification: Pathogenic for Ataxia-telangiectasia syndrome. Last evaluated: 2023-12-11. Review status: criteria provided, single submitter. Criteria: Invitae Variant Classification Sherloc (09022015). Collection method: clinical testing. Allele origin: germline.
Comment: This sequence change creates a premature translational stop signal (p.Glu2979Alafs*9) in the ATM gene. While this is not anticipated to result in nonsense mediated decay, it is expected to disrupt the last 78 amino acid(s) of the ATM protein. This variant is not present in population databases (gnomAD no frequency). This premature translational stop signal has been observed in individual(s) with ataxia-telangiectasia and/or breast cancer (PMID: 27664052, 27913932). ClinVar contains an entry for this variant (Variation ID: 1459511). This variant disrupts a region of the ATM protein in which other variant(s) (p.Arg2993*, p.Arg3047*) have been determined to be pathogenic (PMID: 8755918, 12815592, 16238588, 18560558, 20840352, 23774824, 26628246). This suggests that this is a clinically significant region of the protein, and that variants that disrupt it are likely to be disease-causing. For these reasons, this variant has been classified as Pathogenic.

Ambry Genetics
Classification: Pathogenic for Hereditary cancer-predisposing syndrome. Last evaluated: 2022-09-20. Review status: criteria provided, single submitter. Criteria: Ambry Variant Classification Scheme 2023. Collection method: clinical testing. Allele origin: germline.
Comment: The c.8934_8935delTG pathogenic mutation, located in coding exon 61 of the ATM gene, results from a deletion of two nucleotides at nucleotide positions 8934 to 8935, causing a translational frameshift with a predicted alternate stop codon (p.E2979Afs*9). This variant has been detected in conjunction with an ATM pathogenic variant in an individual diagnosed with ataxia-telangiectasia (A-T); however, the phase of the two variants was not specified (Carranza D et al. Neuromolecular Med, 2017 Mar;19:161-174). This variant was also reported in individuals with a personal and family history of breast cancer (Tavera-Tapia A et al. Breast Cancer Res Treat, 2017 02;161:597-604; Vel&aacute;zquez C et al. Cancers (Basel), 2020 Aug;12:). This alteration is expected to result in loss of function by premature protein truncation or nonsense-mediated mRNA decay. As such, this alteration is interpreted as a disease-causing mutation.

Baylor Genetics
Classification: Pathogenic for Familial cancer of breast. Last evaluated: 2021-11-04. Review status: criteria provided, single submitter. Criteria: ACMG Guidelines, 2015. Collection method: clinical testing. Allele origin: unknown.

Literature cited by the submitters: PubMed 27664052 (cited by Labcorp Genetics (formerly Invitae), Labcorp and Ambry Genetics); PubMed 27913932 (cited by Labcorp Genetics (formerly Invitae), Labcorp and Ambry Genetics); PubMed 8755918 (cited by Labcorp Genetics (formerly Invitae), Labcorp); PubMed 12815592 (cited by Labcorp Genetics (formerly Invitae), Labcorp); PubMed 16238588 (cited by Labcorp Genetics (formerly Invitae), Labcorp); PubMed 18560558 (cited by Labcorp Genetics (formerly Invitae), Labcorp); PubMed 20840352 (cited by Labcorp Genetics (formerly Invitae), Labcorp); PubMed 23774824 (cited by Labcorp Genetics (formerly Invitae), Labcorp); PubMed 26628246 (cited by Labcorp Genetics (formerly Invitae), Labcorp); PubMed 32756499 (cited by Ambry Genetics).